The following is an entry in ClinVar:

ClinVar aggregate classification (germline): Pathogenic. Review status: criteria provided, multiple submitters, no conflicts (2 of 4 stars). 2 submissions from 2 submitters: Pathogenic (2). Last evaluated 2025-09-03.

Conditions:
Junctional epidermolysis bullosa. Identifiers: Orphanet 305, MedGen C0079301, MONDO:0017612.

Submissions (2):

Myriad Genetics, Inc.
Classification: Pathogenic for Junctional epidermolysis bullosa. Last evaluated: 2025-09-03. Review status: criteria provided, single submitter. Criteria: Myriad Autosomal Dominant, Autosomal Recessive and X-Linked Classification Criteria (2023). Collection method: clinical testing. Allele origin: unknown.
Comment: NM_005562.2(LAMC2):c.2705G>A(W902*) is expected to be pathogenic in the context of junctional epidermolysis bullosa, LAMC2-related. This variant is predicted to lead to an abnormal or absent protein product due to the creation of a premature termination codon in LAMC2, a gene where loss-of-function variants are known to be pathogenic. Please note: this variant was assessed in the context of healthy population screening.

Labcorp Genetics (formerly Invitae), Labcorp
Classification: Pathogenic. Last evaluated: 2023-10-15. Review status: criteria provided, single submitter. Criteria: Invitae Variant Classification Sherloc (09022015). Collection method: clinical testing. Allele origin: germline.
Comment: This sequence change creates a premature translational stop signal (p.Trp902*) in the LAMC2 gene. It is expected to result in an absent or disrupted protein product. Loss-of-function variants in LAMC2 are known to be pathogenic (PMID: 11907499, 16473856). This variant is not present in population databases (gnomAD no frequency). This variant has not been reported in the literature in individuals affected with LAMC2-related conditions. ClinVar contains an entry for this variant (Variation ID: 1456889). For these reasons, this variant has been classified as Pathogenic.

Literature cited by the submitters: PubMed 11907499 (cited by Labcorp Genetics (formerly Invitae), Labcorp); PubMed 16473856 (cited by Labcorp Genetics (formerly Invitae), Labcorp).

NM_005562.3(LAMC2):c.2705G>A (p.Trp902Ter)

Gene: LAMC2 (laminin subunit gamma 2; plus strand). Cytogenetic location: 1q25.3.
Variant type: single nucleotide variant.
Coding change: c.2705G>A on transcript NM_005562.3 (MANE Select); coding-DNA position 2705, G replaced by A.
Protein change: p.Trp902Ter; replaces tryptophan 902 with a stop codon.
Molecular consequence: nonsense.
Genome position (GRCh38, 1-based): chr1:183,237,455, G>A. VCF-style: chr1-183237455-G-A. GRCh37 (hg19) VCF-style: chr1-183206590-G-A.
Other names: c.2705G>A, p.Trp902Ter (NM_018891.3); short protein forms W902*.
Identifiers: ClinVar variation 1456889 (VCV001456889.7), dbSNP rs2102248662, ClinGen allele CA343698603.